The following is an entry in ClinVar:

NM_031844.3(HNRNPU):c.2304_2305del (p.Gly769fs)

Gene: HNRNPU (heterogeneous nuclear ribonucleoprotein U; minus strand). Cytogenetic location: 1q44.
Variant type: Microsatellite.
Coding change: c.2304_2305del on transcript NM_031844.3 (MANE Select); coding-DNA positions 2304 to 2305, 2 bases deleted (AG; older notation c.2304_2305delAG).
Protein change: p.Gly769fs; shifts the reading frame from glycine 769.
Molecular consequence: frameshift variant.
Genome position (GRCh38, 1-based): chr1:244,855,471-244,855,472, CT deleted on the plus strand (AG on the coding strand, the reverse complement: HNRNPU is on the minus strand); deleting any 2 consecutive bases within chr1:244,855,471-244,855,474 gives the same sequence; the c. name uses the placement nearest the transcript's 3' end. VCF-style (leftmost placement, unchanged base first): chr1-244855470-CCT-C. GRCh37 (hg19) VCF-style: chr1-245018772-CCT-C.
Other names: c.2247_2248del, p.Gly750fs (NM_004501.3); c.2247_2248delAG (NM_004501.3); short protein forms G769fs, G750fs.
Identifiers: ClinVar variation 203383 (VCV000203383.3), dbSNP rs794729648, ClinGen allele CA090943.
Genomic context (GRCh38, chr1:244,855,470, plus strand): 5'-TCTTGAATCATTACCTGGTTGTAGTTCCCTCTGTTGGGCATTCCACCTCTGTTGTAGTTC[CCT>C]CTGTTTGAGTAACTACCACGGCCAGGAAAAACAGGGGCACGAGGGTATGGATAGCCGATT-3'

ClinVar aggregate classification (germline): Pathogenic/Likely pathogenic. Review status: criteria provided, multiple submitters, no conflicts (2 of 4 stars). 3 submissions from 3 submitters: Pathogenic (1); Likely pathogenic (1). 1 of the submissions does not count toward it. Last evaluated 2022-12-23.

Conditions:
Developmental and epileptic encephalopathy, 54. Also called: Epileptic encephalopathy, early infantile, 54; HNRNPU-Related Neurodevelopmental Disorder. Identifiers: MedGen C4479319, MONDO:0033363, OMIM 617391.
Intellectual disability and seizures. Identifiers: MedGen CN231403.

Submissions (3):

Laboratory of Medical Genetics, University of Torino
Classification: Likely pathogenic for Developmental and epileptic encephalopathy, 54. Last evaluated: 2022-12-23. Review status: criteria provided, single submitter. Criteria: ACMG Guidelines, 2015. Collection method: clinical testing. Allele origin: de novo. Affected: yes.

Mendelics
Classification: Pathogenic for Developmental and epileptic encephalopathy, 54. Last evaluated: 2022-05-04. Review status: criteria provided, single submitter. Criteria: Mendelics Assertion Criteria 2019. Collection method: clinical testing. Allele origin: germline.

Division of Human Genetics, Children's Hospital of Philadelphia
Classification: Pathogenic for Intellectual disability and seizures. Last evaluated: 2015-05-07. Review status: no assertion criteria provided. Collection method: research. Allele origin: de novo. Affected: yes. Study: CSER-PediSeq. Not counted in ClinVar's aggregate classification.
Comment: Mutations in HNRNPU have been reported in patients with intellectual disability and seizures. This gene was first described in a clinical context with respect to the 1q43q44 microdeletion syndrome. The gene content and size of deletions vary among the reported patients, but all patients with a seizure phenotype were missing a copy of HNRNPU, FAM36A and C1orf199 (Baliff et al. 2012, PMID: 21800092). There are now several reports of patients with de novo mutations in HNRNPU who have intellectual disability, developmental delays and, in several cases, seizures (Need et al. 2012, PMID: 22581936; Allen et al. 2013, PMID: 23934111; King et al. 2014, PMID: 24356988; Hamdan et al. 2014, PMID: 25356899). This variant (NM_004051.3:c.2304_2305del) is a likely pathogenic de novo frameshift mutation. This mutation does not occur in the last exon, and may result in a protein with an altered protein composition. This mutation has not previously been reported or observed in a large control database (ExAC).

Literature cited by the submitters: PubMed 21800092 (cited by Division of Human Genetics, Children's Hospital of Philadelphia); PubMed 22581936 (cited by Division of Human Genetics, Children's Hospital of Philadelphia); PubMed 23934111 (cited by Division of Human Genetics, Children's Hospital of Philadelphia); PubMed 24356988 (cited by Division of Human Genetics, Children's Hospital of Philadelphia); PubMed 25356899 (cited by Division of Human Genetics, Children's Hospital of Philadelphia).